The following is an entry in ClinVar:

ClinVar aggregate classification (germline): Uncertain significance. Review status: criteria provided, multiple submitters, no conflicts (2 of 4 stars). 2 submissions from 2 submitters: Uncertain significance (2). Last evaluated 2025-09-01.

Conditions:
Inborn genetic diseases. Identifiers: MedGen C0950123, MeSH D030342.

Allele frequency attached by ClinVar (database versions not stated): gnomAD 0.00001; gnomAD exomes 0.00001; ExAC 0.00002; TOPMed 0.00003.
gnomAD v4.1: 16 of 1,613,054 alleles (0.00099%); highest among the groups gnomAD compares: South Asian, 0.0055%; no homozygotes.

Submissions (2):

Ambry Genetics
Classification: Uncertain significance for Inborn genetic diseases. Last evaluated: 2025-09-01. Review status: criteria provided, single submitter. Criteria: Ambry Variant Classification Scheme 2023. Collection method: clinical testing. Allele origin: germline.

GeneDx
Classification: Uncertain significance. Last evaluated: 2023-01-30. Review status: criteria provided, single submitter. Criteria: GeneDx Variant Classification Process June 2021. Collection method: clinical testing. Allele origin: germline. Affected: yes.
Comment: In silico analysis supports that this missense variant has a deleterious effect on protein structure/function; Has not been previously published as pathogenic or benign to our knowledge

NM_007118.4(TRIO):c.6049G>A (p.Gly2017Ser)

Gene: TRIO (trio Rho guanine nucleotide exchange factor; plus strand). Cytogenetic location: 5p15.2.
Variant type: single nucleotide variant.
Coding change: c.6049G>A on transcript NM_007118.4 (MANE Select); coding-DNA position 6049, G replaced by A.
Protein change: p.Gly2017Ser; replaces glycine 2017 with serine.
Molecular consequence: missense variant. On other transcripts: non-coding transcript variant (1).
Genome position (GRCh38, 1-based): chr5:14,474,063, G>A. VCF-style: chr5-14474063-G-A. GRCh37 (hg19) VCF-style: chr5-14474172-G-A.
Other names: short protein forms G2017S.
Identifiers: ClinVar variation 2574537 (VCV002574537.2), dbSNP rs748644291, ClinGen allele CA3206941.